The following is an entry in ClinVar:

ClinVar aggregate classification (germline): Pathogenic/Likely pathogenic. Review status: criteria provided, multiple submitters, no conflicts (2 of 4 stars). 2 submissions from 2 submitters: Pathogenic (1); Likely pathogenic (1). Last evaluated 2025-09-03.

Submissions (2):

Labcorp Genetics (formerly Invitae), Labcorp
Classification: Pathogenic. Last evaluated: 2025-09-03. Review status: criteria provided, single submitter. Criteria: Invitae Variant Classification Sherloc (09022015). Collection method: clinical testing. Allele origin: germline.
Comment: This sequence change creates a premature translational stop signal (p.Ser277*) in the COX15 gene. It is expected to result in an absent or disrupted protein product. Loss-of-function variants in COX15 are known to be pathogenic (PMID: 15863660, 21412973). This variant is not present in population databases (gnomAD no frequency). This variant has not been reported in the literature in individuals affected with COX15-related conditions. For these reasons, this variant has been classified as Pathogenic.

Dasa
Classification: Likely pathogenic. Last evaluated: 2024-10-08. Review status: criteria provided, single submitter. Criteria: DASA Assertion Criteria. Collection method: clinical testing. Allele origin: germline.
Comment: NM_078470.6(COX15):c.830C>G (p.Ser277*) is a nonsense variant in COX15 predicted to introduce a premature termination codon and is predicted to result in an absent or altered protein product. Loss of function is an established disease mechanism for COX15-associated disorders. Also, this variant is absent from population databases. Based on the currently available evidence, this variant is classified as likely pathogenic.

Literature cited by the submitters: PubMed 15863660 (cited by Labcorp Genetics (formerly Invitae), Labcorp); PubMed 21412973 (cited by Labcorp Genetics (formerly Invitae), Labcorp).

NM_078470.6(COX15):c.830C>G (p.Ser277Ter)

Gene: COX15 (cytochrome c oxidase assembly factor COX15; minus strand). Cytogenetic location: 10q24.2.
Variant type: single nucleotide variant.
Coding change: c.830C>G on transcript NM_078470.6 (MANE Select); coding-DNA position 830, C replaced by G.
Protein change: p.Ser277Ter; replaces serine 277 with a stop codon.
Molecular consequence: nonsense. On other transcripts: non-coding transcript variant (1), intron variant (1).
Genome position (GRCh38, 1-based): chr10:99,720,989, G>C on the plus strand (C>G on the coding strand, the complement: COX15 is on the minus strand). VCF-style: chr10-99720989-G-C. GRCh37 (hg19) VCF-style: chr10-101480746-G-C.
Other names: c.830C>G, p.Ser277Ter (NM_001320974.2, NM_001320975.2, NM_001372024.1 and 4 more transcripts); c.293C>G, p.Ser98Ter (NM_001320976.2); c.805+25C>G (NM_001372026.1); short protein forms S277*, S98*.
Identifiers: ClinVar variation 4797868 (VCV004797868.3).